The following is an entry in ClinVar:

NM_000282.4(PCCA):c.1415dup (p.Asn472fs)

Gene: PCCA (propionyl-CoA carboxylase subunit alpha; plus strand). Cytogenetic location: 13q32.3.
Variant type: Duplication.
Coding change: c.1415dup on transcript NM_000282.4 (MANE Select); coding-DNA position 1415, one base duplicated (A; older notation c.1415dupA).
Protein change: p.Asn472fs; shifts the reading frame from asparagine 472.
Molecular consequence: frameshift variant. On other transcripts: non-coding transcript variant (5).
Genome position (GRCh38, 1-based): chr13:100,309,894, A duplicated; the last of 2 consecutive A bases (chr13:100,309,893-100,309,894); duplicating either gives the same sequence. VCF-style (leftmost placement, unchanged base first): chr13-100309892-T-TA. GRCh37 (hg19) VCF-style: chr13-100962146-T-TA.
Other names: c.1337dup, p.Asn446fs (NM_001127692.3, NM_001352607.2); c.1415dup, p.Asn472fs (NM_001178004.2, NM_001352605.2, NM_001352609.2); c.1271dup, p.Asn424fs (NM_001352606.2); c.1193dup, p.Asn398fs (NM_001352608.2); c.470dup, p.Asn157fs (NM_001352610.2, NM_001352611.2); c.326dup, p.Asn109fs (NM_001352612.2); short protein forms N109fs, N424fs, N157fs, N446fs, N472fs, N398fs.
Identifiers: ClinVar variation 2876758 (VCV002876758.3), dbSNP rs2548154497, ClinGen allele CA2739277705.

ClinVar aggregate classification (germline): Pathogenic (1 of 4 stars; one submission).

Conditions:
Propionic acidemia (PROP). Also called: GLYCINEMIA, KETOTIC; HYPERGLYCINEMIA WITH KETOACIDOSIS AND LEUKOPENIA; KETOTIC HYPERGLYCINEMIA. Identifiers: Orphanet 35, MedGen C0268579, MONDO:0011628, OMIM 606054, HP:0003571.

Submission:

Labcorp Genetics (formerly Invitae), Labcorp
Classification: Pathogenic for Propionic acidemia. Last evaluated: 2023-04-18. Review status: criteria provided, single submitter. Criteria: Invitae Variant Classification Sherloc (09022015). Collection method: clinical testing. Allele origin: germline.
Comment: For these reasons, this variant has been classified as Pathogenic. This variant has not been reported in the literature in individuals affected with PCCA-related conditions. This variant is not present in population databases (gnomAD no frequency). This sequence change creates a premature translational stop signal (p.Asn472Lysfs*10) in the PCCA gene. It is expected to result in an absent or disrupted protein product. Loss-of-function variants in PCCA are known to be pathogenic (PMID: 15464417).

Literature cited by the submitters: PubMed 15464417.